The following is an entry in ClinVar:

NM_019594.4(LRRC8A):c.1885A>G (p.Ile629Val)

Gene: LRRC8A (leucine rich repeat containing 8 VRAC subunit A; plus strand). Cytogenetic location: 9q34.11.
Variant type: single nucleotide variant.
Coding change: c.1885A>G on transcript NM_019594.4 (MANE Select); coding-DNA position 1885, A replaced by G.
Protein change: p.Ile629Val; replaces isoleucine 629 with valine.
Molecular consequence: missense variant.
Genome position (GRCh38, 1-based): chr9:128,909,049, A>G. VCF-style: chr9-128909049-A-G. GRCh37 (hg19) VCF-style: chr9-131671328-A-G.
Other names: c.1885A>G, p.Ile629Val (NM_001127244.2, NM_001127245.2); short protein forms I629V.
Identifiers: ClinVar variation 2839171 (VCV002839171.3), dbSNP rs2491882970, ClinGen allele CA375084869.

ClinVar aggregate classification (germline): Uncertain significance (1 of 4 stars; one submission).

Submission:

Labcorp Genetics (formerly Invitae), Labcorp
Classification: Uncertain significance. Last evaluated: 2023-08-30. Review status: criteria provided, single submitter. Criteria: Invitae Variant Classification Sherloc (09022015). Collection method: clinical testing. Allele origin: germline.
Comment: This sequence change replaces isoleucine, which is neutral and non-polar, with valine, which is neutral and non-polar, at codon 629 of the LRRC8A protein (p.Ile629Val). This variant is not present in population databases (gnomAD no frequency). This variant has not been reported in the literature in individuals affected with LRRC8A-related conditions. An algorithm developed to predict the effect of missense changes on protein structure and function (PolyPhen-2) suggests that this variant is likely to be tolerated. In summary, the available evidence is currently insufficient to determine the role of this variant in disease. Therefore, it has been classified as a Variant of Uncertain Significance.